The following is an entry in ClinVar:

NM_001953.5(TYMP):c.1252G>A (p.Gly418Arg)

Genes: SCO2 (synthesis of cytochrome C oxidase 2; minus strand), TYMP (thymidine phosphorylase; minus strand), LOC130067862 (ATAC-STARR-seq lymphoblastoid silent region 13986; plus strand). Cytogenetic location: 22q13.33.
Variant type: single nucleotide variant.
Coding change: c.1252G>A on transcript NM_001953.5 (MANE Select); coding-DNA position 1252, G replaced by A.
Protein change: p.Gly418Arg; replaces glycine 418 with arginine.
Molecular consequence: missense variant. On other transcripts: 5 prime UTR variant (1), intron variant (1).
Genome position (GRCh38, 1-based): chr22:50,526,049, C>T on the plus strand (G>A on the coding strand, the complement: TYMP is on the minus strand). VCF-style: chr22-50526049-C-T. GRCh37 (hg19) VCF-style: chr22-50964478-C-T.
Other names: c.1252G>A, p.Gly418Arg (NM_001113755.3, NM_001113756.3, NM_001257988.1); c.1267G>A, p.Gly423Arg (NM_001257989.1); c.-62G>A (NM_001169110.1); c.-14+197G>A (NM_001169109.2); short protein forms G418R, G423R.
Identifiers: ClinVar variation 1904902 (VCV001904902.4), dbSNP rs1413594155, ClinGen allele CA412196851.
Genomic context (GRCh38, chr22:50,526,049, plus strand): 5'-GGCGGCGCTCACCACGGCGCAGCCTCTGACCCACGTCGACCAGCAGCTCTGCGCCCACCC[C>T]CAGGCGGAGCGGCTCCCCAGCGCGGCTGCGCCCGGCCCCGAGCTCGTGCAGCACCAGCGC-3'
Protein context (NP_001944.1, residues 408-428): RSRAGEPLRL[Gly418Arg]VGAELLVDVG

ClinVar aggregate classification (germline): Uncertain significance. Review status: criteria provided, multiple submitters, no conflicts (2 of 4 stars). 3 submissions from 3 submitters: Uncertain significance (3). Last evaluated 2026-05-29.

Conditions:
Inborn genetic diseases. Identifiers: MedGen C0950123, MeSH D030342.
TYMP-related disorder. Also called: TYMP-related condition.

Allele frequency attached by ClinVar (database versions not stated): gnomAD 0.00001; TOPMed 0.00002; gnomAD exomes 0.00002.
gnomAD v4.1: 34 of 1,482,028 alleles (0.0023%); highest among the groups gnomAD compares: Non-Finnish European, 0.0028%; no homozygotes.

Submissions (3):

PreventionGenetics, part of Exact Sciences
Classification: Uncertain significance for TYMP-related condition. Last evaluated: 2026-05-29. Review status: criteria provided, single submitter. Criteria: ACMG Guidelines, 2015. Collection method: clinical testing. Allele origin: germline.
Comment: The TYMP c.1252G>A variant is predicted to result in the amino acid substitution p.Gly418Arg. To our knowledge, this variant has not been reported in the literature. This variant is reported in 0.0033% of alleles in individuals of European (Non-Finnish) descent in gnomAD. At this time, the clinical significance of this variant is uncertain due to the absence of conclusive functional and genetic evidence.

Ambry Genetics
Classification: Uncertain significance for Inborn genetic diseases. Last evaluated: 2025-05-19. Review status: criteria provided, single submitter. Criteria: Ambry Variant Classification Scheme 2023. Collection method: clinical testing. Allele origin: germline.

Labcorp Genetics (formerly Invitae), Labcorp
Classification: Uncertain significance. Last evaluated: 2022-03-27. Review status: criteria provided, single submitter. Criteria: Invitae Variant Classification Sherloc (09022015). Collection method: clinical testing. Allele origin: germline.
Comment: This sequence change replaces glycine, which is neutral and non-polar, with arginine, which is basic and polar, at codon 418 of the TYMP protein (p.Gly418Arg). This variant is present in population databases (no rsID available, gnomAD 0.003%). This variant has not been reported in the literature in individuals affected with TYMP-related conditions. Advanced modeling of protein sequence and biophysical properties (such as structural, functional, and spatial information, amino acid conservation, physicochemical variation, residue mobility, and thermodynamic stability) performed at Invitae indicates that this missense variant is not expected to disrupt TYMP protein function. In summary, the available evidence is currently insufficient to determine the role of this variant in disease. Therefore, it has been classified as a Variant of Uncertain Significance.